The following is an entry in ClinVar:

ClinVar aggregate classification (germline): Conflicting classifications of pathogenicity. Review status: criteria provided, conflicting classifications (1 of 4 stars). 5 submissions from 4 submitters: Uncertain significance (4); Likely benign (1). Last evaluated 2025-12-09.

Conditions:
Familial cutaneous telangiectasia and oropharyngeal predisposition cancer syndrome. Identifiers: Orphanet 313846, MedGen C3281203, MONDO:0013806, OMIM 614564.
Inborn genetic diseases. Identifiers: MedGen C0950123, MeSH D030342.
Seckel syndrome 1 (SCKL1). Also called: MICROCEPHALIC PRIMORDIAL DWARFISM I. Identifiers: Orphanet 808, MedGen C4551474, MONDO:0008869, OMIM 210600.

Allele frequency attached by ClinVar (database versions not stated): gnomAD exomes 0.00002; ESP Exome Variant Server 0.00015; 1000 Genomes Project 0.00040; gnomAD 0.00016 and 0.00015; ExAC 0.00002; TOPMed 0.00017; 1000 Genomes Project 30x 0.00031.
gnomAD v4.1: 34 of 1,613,964 alleles (0.0021%); highest among the groups gnomAD compares: African/African-American, 0.041%; no homozygotes.

Submissions (5):

Ambry Genetics
Classification: Likely benign for Inborn genetic diseases. Last evaluated: 2025-12-09. Review status: criteria provided, single submitter. Criteria: Ambry Variant Classification Scheme 2023. Collection method: clinical testing. Allele origin: germline.

Labcorp Genetics (formerly Invitae), Labcorp
Classification: Uncertain significance. Last evaluated: 2025-01-13. Review status: criteria provided, single submitter. Criteria: Invitae Variant Classification Sherloc (09022015). Collection method: clinical testing. Allele origin: germline.
Comment: This sequence change replaces leucine, which is neutral and non-polar, with valine, which is neutral and non-polar, at codon 420 of the ATR protein (p.Leu420Val). This variant is present in population databases (rs377186178, gnomAD 0.03%). This variant has not been reported in the literature in individuals affected with ATR-related conditions. ClinVar contains an entry for this variant (Variation ID: 1394841). An algorithm developed to predict the effect of missense changes on protein structure and function (PolyPhen-2) suggests that this variant¬†is likely to be tolerated. In summary, the available evidence is currently insufficient to determine the role of this variant in disease. Therefore, it has been classified as a Variant of Uncertain Significance.

Genome-Nilou Lab
Classification: Uncertain significance for Seckel syndrome 1. Last evaluated: 2023-02-08. Review status: criteria provided, single submitter. Criteria: ACMG Guidelines, 2015. Collection method: clinical testing. Allele origin: germline.

Genome-Nilou Lab
Classification: Uncertain significance for Familial cutaneous telangiectasia and oropharyngeal predisposition cancer syndrome. Last evaluated: 2023-02-08. Review status: criteria provided, single submitter. Criteria: ACMG Guidelines, 2015. Collection method: clinical testing. Allele origin: germline.

GeneDx
Classification: Uncertain significance. Last evaluated: 2022-03-30. Review status: criteria provided, single submitter. Criteria: GeneDx Variant Classification Process June 2021. Collection method: clinical testing. Allele origin: germline. Affected: yes.
Comment: In silico analysis supports that this missense variant does not alter protein structure/function; Has not been previously published as pathogenic or benign to our knowledge

NM_001184.4(ATR):c.1258C>G (p.Leu420Val)

Gene: ATR (ATR checkpoint kinase; minus strand). Cytogenetic location: 3q23.
Variant type: single nucleotide variant.
Coding change: c.1258C>G on transcript NM_001184.4 (MANE Select); coding-DNA position 1258, C replaced by G.
Protein change: p.Leu420Val; replaces leucine 420 with valine.
Molecular consequence: missense variant.
Genome position (GRCh38, 1-based): chr3:142,561,334, G>C on the plus strand (C>G on the coding strand, the complement: ATR is on the minus strand). VCF-style: chr3-142561334-G-C. GRCh37 (hg19) VCF-style: chr3-142280176-G-C.
Other names: c.1258C>G, p.Leu420Val (NM_001354579.2); short protein forms L420V.
Identifiers: ClinVar variation 1394841 (VCV001394841.13), dbSNP rs377186178, ClinGen allele CA2650642.